The following is an entry in ClinVar:

NM_013447.4(ADGRE2):c.1570A>G (p.Met524Val)

Gene: ADGRE2 (adhesion G protein-coupled receptor E2; minus strand). Cytogenetic location: 19p13.12.
Variant type: single nucleotide variant.
Coding change: c.1570A>G on transcript NM_013447.4 (MANE Select); coding-DNA position 1570, A replaced by G.
Protein change: p.Met524Val; replaces methionine 524 with valine.
Molecular consequence: missense variant. On other transcripts: intron variant (1).
Genome position (GRCh38, 1-based): chr19:14,754,974, T>C on the plus strand (A>G on the coding strand, the complement: ADGRE2 is on the minus strand). VCF-style: chr19-14754974-T-C. GRCh37 (hg19) VCF-style: chr19-14865786-T-C.
Other names: c.1423A>G, p.Met475Val (NM_152916.2); c.1291A>G, p.Met431Val (NM_152917.2); c.1416+680A>G (NM_001271052.1); short protein forms M431V, M475V, M524V.
Identifiers: ClinVar variation 3497280 (VCV003497280.2).

ClinVar aggregate classification (germline): Uncertain significance. Review status: criteria provided, multiple submitters, no conflicts (2 of 4 stars). 2 submissions from 2 submitters: Uncertain significance (2). Last evaluated 2025-05-28.

gnomAD v4.1: 52 of 1,614,026 alleles (0.0032%); highest among the groups gnomAD compares: East Asian, 0.11%; no homozygotes.

Submissions (2):

Labcorp Genetics (formerly Invitae), Labcorp
Classification: Uncertain significance. Last evaluated: 2025-05-28. Review status: criteria provided, single submitter. Criteria: Invitae Variant Classification Sherloc (09022015). Collection method: clinical testing. Allele origin: germline.
Comment: This sequence change replaces methionine, which is neutral and non-polar, with valine, which is neutral and non-polar, at codon 524 of the ADGRE2 protein (p.Met524Val). This variant is present in population databases (rs746782632, gnomAD 0.02%). This variant has not been reported in the literature in individuals affected with ADGRE2-related conditions. ClinVar contains an entry for this variant (Variation ID: 3497280). An algorithm developed to predict the effect of missense changes on protein structure and function (PolyPhen-2) suggests that this variant is likely to be tolerated. In summary, the available evidence is currently insufficient to determine the role of this variant in disease. Therefore, it has been classified as a Variant of Uncertain Significance.

Ambry Genetics
Classification: Uncertain significance. Last evaluated: 2024-10-04. Review status: criteria provided, single submitter. Criteria: Ambry Variant Classification Scheme 2023. Collection method: clinical testing. Allele origin: germline.